The following is an entry in ClinVar:

NM_000271.5(NPC1):c.1839A>G (p.Leu613=)

Gene: NPC1 (NPC intracellular cholesterol transporter 1; minus strand). Cytogenetic location: 18q11.2.
Variant type: single nucleotide variant.
Coding change: c.1839A>G on transcript NM_000271.5 (MANE Select); coding-DNA position 1839, A replaced by G.
Protein change: p.Leu613=; no amino-acid change (leucine 613 retained).
Molecular consequence: synonymous variant.
Genome position (GRCh38, 1-based): chr18:23,545,068, T>C on the plus strand (A>G on the coding strand, the complement: NPC1 is on the minus strand). VCF-style: chr18-23545068-T-C. GRCh37 (hg19) VCF-style: chr18-21125032-T-C.
Identifiers: ClinVar variation 2058362 (VCV002058362.8), dbSNP rs2511240210, ClinGen allele CA503522031.

ClinVar aggregate classification (germline): Likely benign. Review status: criteria provided, multiple submitters, no conflicts (2 of 4 stars). 2 submissions from 2 submitters: Likely benign (2). Last evaluated 2026-02-01.

Conditions:
Niemann-Pick disease, type C1. Also called: NIEMANN-PICK DISEASE, VARIANT TYPE C1; NEUROVISCERAL STORAGE DISEASE WITH VERTICAL SUPRANUCLEAR OPHTHALMOPLEGIA; NIEMANN-PICK DISEASE WITH CHOLESTEROL ESTERIFICATION BLOCK; NIEMANN-PICK DISEASE WITHOUT SPHINGOMYELINASE DEFICIENCY; NIEMANN-PICK DISEASE, CHRONIC NEURONOPATHIC FORM. Identifiers: Orphanet 646, MedGen C3179455, MONDO:0009757, OMIM 257220.

Allele frequency attached by ClinVar (database versions not stated): gnomAD exomes below 0.00001.
gnomAD v4.1: 1 of 1,612,320 alleles (0.000062%); highest among the groups gnomAD compares: Non-Finnish European, 0.000085%; no homozygotes.

Submissions (2):

CeGaT Center for Human Genetics Tuebingen
Classification: Likely benign. Last evaluated: 2026-02-01. Review status: criteria provided, single submitter. Criteria: CeGaT Center For Human Genetics Tuebingen Variant Classification Criteria Version 2. Collection method: clinical testing. Allele origin: germline. Affected: yes. Observed: 1 variant allele.
Comment: NPC1: BP4, BP7

Labcorp Genetics (formerly Invitae), Labcorp
Classification: Likely benign for Niemann-Pick disease, type C1. Last evaluated: 2021-12-24. Review status: criteria provided, single submitter. Criteria: Invitae Variant Classification Sherloc (09022015). Collection method: clinical testing. Allele origin: germline.